The following is an entry in ClinVar:

ClinVar aggregate classification (germline): Benign (1 of 4 stars; one submission).

Conditions:
Congenital stationary night blindness autosomal dominant 3. Also called: NIGHT BLINDNESS, CONGENITAL STATIONARY, NOUGARET TYPE. Identifiers: Orphanet 215, MedGen C1864870, MONDO:0012497, OMIM 610444.

Allele frequency attached by ClinVar (database versions not stated): gnomAD 0.00001 and 0.00019; TOPMed 0.00005; 1000 Genomes Project 0.00080; gnomAD exomes 0.00101; 1000 Genomes Project 30x 0.00109.
gnomAD v4.1: 74 of 199,054 alleles (0.037%); highest among the groups gnomAD compares: South Asian, 0.59%; no homozygotes.

Submission:

Illumina Laboratory Services, Illumina
Classification: Benign for Congenital stationary night blindness autosomal dominant 3. Last evaluated: 2018-01-13. Review status: criteria provided, single submitter. Criteria: ICSL Variant Classification Criteria 13 December 2019. Collection method: clinical testing. Allele origin: germline.
Comment: This variant was observed in the ICSL laboratory as part of a predisposition screen in an ostensibly healthy population. It had not been previously curated by ICSL or reported in the Human Gene Mutation Database (HGMD: prior to June 1st, 2018), and was therefore a candidate for classification through an automated scoring system. Utilizing variant allele frequency, disease prevalence and penetrance estimates, and inheritance mode, an automated score was calculated to assess if this variant is too frequent to cause the disease. Based on the score and internal cut-off values, a variant classified as benign is not then subjected to further curation. The score for this variant resulted in a classification of benign for this disease.

NM_144499.3(GNAT1):c.*183C>G

Gene: GNAT1 (G protein subunit alpha transducin 1; plus strand). Cytogenetic location: 3p21.31.
Variant type: single nucleotide variant.
Coding change: c.*183C>G on transcript NM_144499.3 (MANE Select); 183 bases downstream of the stop codon, C replaced by G.
Molecular consequence: 3 prime UTR variant. On other transcripts: intron variant (1).
Genome position (GRCh38, 1-based): chr3:50,195,449, C>G. VCF-style: chr3-50195449-C-G. GRCh37 (hg19) VCF-style: chr3-50232882-C-G.
Other names: c.1+493C>G (NM_000172.4).
Identifiers: ClinVar variation 346058 (VCV000346058.5), dbSNP rs556104512, ClinGen allele CA10616979.
Genomic context (GRCh38, chr3:50,195,449, plus strand): 5'-AAAGCTCTGAGCCCTGCTAGCCTTGAGGCGCGGACCCTCCCCCATACCTCCCACAGTATC[C>G]CAGCGCCTCATGCCCCCAACCCCAAGCCCTGCCCTTCACCGCCCGGCTGCACTGGCCTCT-3'